The following is an entry in ClinVar:

NM_003872.3(NRP2):c.41A>G (p.Tyr14Cys)

Gene: NRP2 (neuropilin 2; plus strand). Cytogenetic location: 2q33.3.
Variant type: single nucleotide variant.
Coding change: c.41A>G on transcript NM_003872.3 (MANE Select); coding-DNA position 41, A replaced by G.
Protein change: p.Tyr14Cys; replaces tyrosine 14 with cysteine.
Molecular consequence: missense variant.
Genome position (GRCh38, 1-based): chr2:205,683,331, A>G. VCF-style: chr2-205683331-A-G. GRCh37 (hg19) VCF-style: chr2-206548055-A-G.
Other names: c.41A>G, p.Tyr14Cys (NM_018534.4, NM_201264.2, NM_201266.2 and 2 more transcripts); short protein forms Y14C.
Identifiers: ClinVar variation 2554640 (VCV002554640.3), dbSNP rs373490681, ClinGen allele CA350023415.

ClinVar aggregate classification (germline): Uncertain significance. Review status: criteria provided, multiple submitters, no conflicts (2 of 4 stars). 2 submissions from 2 submitters: Uncertain significance (2). Last evaluated 2025-03-30.

Conditions:
NRP2-related disorder. Also called: NRP2-related condition.

gnomAD v4.1: 8 of 1,614,030 alleles (0.0005%); highest among the groups gnomAD compares: South Asian, 0.0011%; no homozygotes.

Submissions (2):

PreventionGenetics, part of Exact Sciences
Classification: Uncertain significance for NRP2-related condition. Last evaluated: 2025-03-30. Review status: criteria provided, single submitter. Criteria: ACMG Guidelines, 2015. Collection method: clinical testing. Allele origin: germline.
Comment: The NRP2 c.41A>G variant is predicted to result in the amino acid substitution p.Tyr14Cys. To our knowledge, this variant has not been reported in the literature. This variant is reported in 0.0099% of alleles in individuals of Ashkenazi Jewish descent in gnomAD. At this time, the clinical significance of this variant is uncertain due to the absence of conclusive functional and genetic evidence.

Ambry Genetics
Classification: Uncertain significance. Last evaluated: 2023-05-31. Review status: criteria provided, single submitter. Criteria: Ambry Variant Classification Scheme 2023. Collection method: clinical testing. Allele origin: germline.